The following is an entry in ClinVar:

NM_017436.7(A4GALT):c.628A>C (p.Thr210Pro)

Gene: A4GALT (alpha 1,4-galactosyltransferase (P1PK blood group); minus strand). Cytogenetic location: 22q13.2.
Variant type: single nucleotide variant.
Coding change: c.628A>C on transcript NM_017436.7 (MANE Select); coding-DNA position 628, A replaced by C.
Protein change: p.Thr210Pro; replaces threonine 210 with proline.
Molecular consequence: missense variant.
Genome position (GRCh38, 1-based): chr22:42,693,324, T>G on the plus strand (A>C on the coding strand, the complement: A4GALT is on the minus strand). VCF-style: chr22-42693324-T-G. GRCh37 (hg19) VCF-style: chr22-43089330-T-G.
Other names: c.628A>C, p.Thr210Pro (NM_001318038.3); short protein forms T210P.
Identifiers: ClinVar variation 1438947 (VCV001438947.6), dbSNP rs770694629, ClinGen allele CA10270252.
Genomic context (GRCh38, chr22:42,693,324, plus strand): 5'-TGAACTCGTGCCGGCGCTCGAAGGCCAGGAACGCGCCGTTGAGGACGTAGCGGGACTGGG[T>G]GCCCAGCACGTTGGTCAGGTTCCGCAGGTTCTTGAGAACAATGAAGTCCGTGTCCAGGTA-3'
Protein context (NP_059132.1, residues 200-220): NLRNLTNVLG[Thr210Pro]QSRYVLNGAF

ClinVar aggregate classification (germline): Uncertain significance (1 of 4 stars; one submission).

Allele frequency attached by ClinVar (database versions not stated): gnomAD exomes 0.00002 and 0.00004; ExAC 0.00003.

Submission:

Labcorp Genetics (formerly Invitae), Labcorp
Classification: Uncertain significance. Last evaluated: 2024-05-15. Review status: criteria provided, single submitter. Criteria: Invitae Variant Classification Sherloc (09022015). Collection method: clinical testing. Allele origin: germline.
Comment: This sequence change replaces threonine with proline at codon 210 of the A4GALT protein (p.Thr210Pro). The threonine residue is moderately conserved and there is a small physicochemical difference between threonine and proline. This variant is present in population databases (rs770694629, gnomAD 0.03%). This variant has not been reported in the literature in individuals affected with A4GALT-related conditions. ClinVar contains an entry for this variant (Variation ID: 1438947). An algorithm developed to predict the effect of missense changes on protein structure and function (PolyPhen-2) suggests that this variant is likely to be tolerated. In summary, the available evidence is currently insufficient to determine the role of this variant in disease. Therefore, it has been classified as a Variant of Uncertain Significance.